The following is an entry in ClinVar:

NM_001377.3(DYNC2H1):c.4442G>A (p.Gly1481Glu)

Gene: DYNC2H1 (dynein cytoplasmic 2 heavy chain 1; plus strand). Cytogenetic location: 11q22.3.
Variant type: single nucleotide variant.
Coding change: c.4442G>A on transcript NM_001377.3 (MANE Select); coding-DNA position 4442, G replaced by A.
Protein change: p.Gly1481Glu; replaces glycine 1481 with glutamic acid.
Molecular consequence: missense variant.
Genome position (GRCh38, 1-based): chr11:103,160,995, G>A. VCF-style: chr11-103160995-G-A. GRCh37 (hg19) VCF-style: chr11-103031724-G-A.
Other names: c.4442G>A, p.Gly1481Glu (NM_001080463.2); short protein forms G1481E.
Identifiers: ClinVar variation 1317238 (VCV001317238.2), dbSNP rs2134918675, ClinGen allele CA382238903.

ClinVar aggregate classification (germline): Uncertain significance (1 of 4 stars; one submission).

Submission:

GeneDx
Classification: Uncertain significance. Last evaluated: 2020-10-27. Review status: criteria provided, single submitter. Criteria: GeneDx Variant Classification Process June 2021. Collection method: clinical testing. Allele origin: germline. Affected: yes.
Comment: Not observed in large population cohorts (Lek et al., 2016); In silico analysis supports that this missense variant has a deleterious effect on protein structure/function; Has not been previously published as pathogenic or benign to our knowledge